The following is an entry in ClinVar:

ClinVar aggregate classification (germline): Benign. Review status: criteria provided, multiple submitters, no conflicts (2 of 4 stars). 5 submissions from 5 submitters: Benign (5). Last evaluated 2025-04-09.

Allele frequency attached by ClinVar (database versions not stated): ESP Exome Variant Server 0.03322; gnomAD 0.04824 and 0.05031; gnomAD exomes 0.05344 and 0.08028; TOPMed 0.06123; ExAC 0.07265; 1000 Genomes Project 0.07728; 1000 Genomes Project 30x 0.07730.
gnomAD v4.1: 85,637 of 1,613,354 alleles (5.3%); highest among the groups gnomAD compares: Admixed American, 21%; 3,938 homozygotes.

Submissions (5):

Molecular Diagnostic Laboratory for Inherited Cardiovascular Disease, Montreal Heart Institute
Classification: Benign. Last evaluated: 2025-04-09. Review status: criteria provided, single submitter. Criteria: ACMG Guidelines, 2015. Collection method: clinical testing. Allele origin: germline. Affected: no.

GeneDx
Classification: Benign. Last evaluated: 2013-11-22. Review status: criteria provided, single submitter. Criteria: GeneDx Variant Classification (06012015). Collection method: clinical testing. Allele origin: germline. Affected: yes.
Comment: This variant is considered likely benign or benign based on one or more of the following criteria: it is a conservative change, it occurs at a poorly conserved position in the protein, it is predicted to be benign by multiple in silico algorithms, and/or has population frequency not consistent with disease.

Biesecker Lab/Clinical Genomics Section, National Institutes of Health
Classification: Benign. Last evaluated: 2013-06-24. Review status: criteria provided, single submitter. Criteria: Ng et al. (Circ Cardiovasc Genet. 2013). Collection method: research. Allele origin: unknown. Observed: 92 variant alleles. Study: ClinSeq.
Comment: The study set was not selected for affection status in relation to any cancer. Pathogenicity categories were based on literature curation. See Pubmed ID:23861362 for details.

Medical sequencing

Laboratory for Molecular Medicine, Mass General Brigham Personalized Medicine
Classification: Benign. Last evaluated: 2012-03-23. Review status: criteria provided, single submitter. Criteria: LMM Criteria. Collection method: clinical testing. Allele origin: germline. Observed: 139 variant alleles.
Comment: Arg5139Met in exon 45A of TTN: This variant is not expected to have clinical sig nificance because it has been identified in 4.5% (316/7018) of European American chromosomes from a broad population by the NHLBI Exome Sequencing Project (dbSNP rs66677602)

Breakthrough Genomics
Classification: Benign. Review status: criteria provided, single submitter. Criteria: ACMG Guidelines, 2015. Collection method: not provided. Allele origin: germline. Inheritance: Autosomal recessive inheritance. Affected: yes.

NM_133379.5(TTN):c.15416G>T (p.Arg5139Met)

Gene: TTN (titin; minus strand). Cytogenetic location: 2q31.2.
Variant type: single nucleotide variant.
Coding change: c.15416G>T on transcript NM_133379.5; coding-DNA position 15416, G replaced by T.
Protein change: p.Arg5139Met; replaces arginine 5139 with methionine.
Molecular consequence: missense variant. On other transcripts: intron variant (6).
Genome position (GRCh38, 1-based): chr2:178,746,984, C>A on the plus strand (G>T on the coding strand, the complement: TTN is on the minus strand). VCF-style: chr2-178746984-C-A. GRCh37 (hg19) VCF-style: chr2-179611711-C-A.
Other names: p.R5139M:AGG>ATG; c.10360+6140G>T (NM_133378.4); c.10361-5063G>T (NM_001256850.1); c.10223-5063G>T (NM_003319.4); c.10799-5063G>T (NM_133437.4); c.10598-5063G>T (NM_133432.3); c.11312-5063G>T (NM_001267550.2); c.15416G>T (NM_133379.4); short protein forms R5139M.
Identifiers: ClinVar variation 47786 (VCV000047786.7), dbSNP rs66677602, ClinGen allele CA284491.